The following is an entry in ClinVar:

ClinVar aggregate classification (germline): Uncertain significance. Review status: criteria provided, multiple submitters, no conflicts (2 of 4 stars). 3 submissions from 3 submitters: Uncertain significance (3). Last evaluated 2024-09-06.

Allele frequency attached by ClinVar (database versions not stated): gnomAD exomes 0.00001 and 0.00002; ExAC 0.00002; gnomAD 0.00003.
gnomAD v4.1: 17 of 1,613,422 alleles (0.0011%); highest among the groups gnomAD compares: South Asian, 0.0033%; no homozygotes.

Submissions (3):

Labcorp Genetics (formerly Invitae), Labcorp
Classification: Uncertain significance. Last evaluated: 2024-09-06. Review status: criteria provided, single submitter. Criteria: Invitae Variant Classification Sherloc (09022015). Collection method: clinical testing. Allele origin: germline.
Comment: This sequence change replaces arginine, which is basic and polar, with histidine, which is basic and polar, at codon 1129 of the MYO6 protein (p.Arg1129His). This variant is present in population databases (rs779885818, gnomAD 0.003%). This variant has not been reported in the literature in individuals affected with MYO6-related conditions. ClinVar contains an entry for this variant (Variation ID: 667282). Invitae Evidence Modeling of protein sequence and biophysical properties (such as structural, functional, and spatial information, amino acid conservation, physicochemical variation, residue mobility, and thermodynamic stability) has been performed for this missense variant. However, the output from this modeling did not meet the statistical confidence thresholds required to predict the impact of this variant on MYO6 protein function. In summary, the available evidence is currently insufficient to determine the role of this variant in disease. Therefore, it has been classified as a Variant of Uncertain Significance.

Blueprint Genetics
Classification: Uncertain significance. Last evaluated: 2022-02-24. Review status: criteria provided, single submitter. Criteria: ACMG Guidelines, 2015. Collection method: clinical testing. Allele origin: germline.

Laboratory for Molecular Medicine, Mass General Brigham Personalized Medicine
Classification: Uncertain significance. Last evaluated: 2018-07-17. Review status: criteria provided, single submitter. Criteria: LMM Criteria. Collection method: clinical testing. Allele origin: germline. Observed: 1 variant allele.
Comment: The p.Arg1129His variant in MYO6 has not been previously reported in individuals with hearing loss but has been identified in 1/30778 South Asian chromosomes by the Genome Aggregation Database (gnomAD; dbSN P rs779885818). Although this variant has been seen in the general population, i ts frequency is not high enough to rule out a pathogenic role. Computational pr ediction tools and conservation analysis suggest that the p.Arg1129His variant m ay impact the protein, though this information is not predictive enough to deter mine pathogenicity. In summary, the clinical significance of the p.Arg1129His va riant is uncertain. ACMG/AMP Criteria applied: PP3.

NM_004999.4(MYO6):c.3386G>A (p.Arg1129His)

Gene: MYO6 (myosin VI; plus strand). Cytogenetic location: 6q14.1.
Variant type: single nucleotide variant.
Coding change: c.3386G>A on transcript NM_004999.4 (MANE Select); coding-DNA position 3386, G replaced by A.
Protein change: p.Arg1129His; replaces arginine 1129 with histidine.
Molecular consequence: missense variant. On other transcripts: non-coding transcript variant (1).
Genome position (GRCh38, 1-based): chr6:75,908,601, G>A. VCF-style: chr6-75908601-G-A. GRCh37 (hg19) VCF-style: chr6-76618318-G-A.
Other names: c.3317G>A, p.Arg1106His (NM_001300899.2, NM_001368136.1); c.3374G>A, p.Arg1125His (NM_001368137.1); c.3302G>A, p.Arg1101His (NM_001368138.1); c.3413G>A, p.Arg1138His (NM_001368865.1, NM_001368866.1); short protein forms R1106H, R1138H, R1101H, R1125H, R1129H.
Identifiers: ClinVar variation 667282 (VCV000667282.7), dbSNP rs779885818, ClinGen allele CA3897693.